The following is an entry in ClinVar:

ClinVar aggregate classification (germline): Uncertain significance (1 of 4 stars; one submission).

Conditions:
Melnick-Needles syndrome (MNS). Also called: MELNICK-NEEDLES OSTEODYSPLASTY; OSTEODYSPLASTY OF MELNICK AND NEEDLES; Melnick-Needles Syndrome (FLNA-MNS). Identifiers: Orphanet 2484, MedGen C0025237, MONDO:0010650, OMIM 309350.
Frontometaphyseal dysplasia (FMD1). Identifiers: Orphanet 1826, MedGen C0265293, MONDO:0015942.
Oto-palato-digital syndrome, type II (OPD2). Also called: FACIOPALATOOSSEOUS SYNDROME; OPD II SYNDROME; Otopalatodigital Syndrome Type 2 (FLNA-OPD2); Otopalatodigital Syndrome, Type II. Identifiers: Orphanet 669, Orphanet 90652, MedGen C1844696, MONDO:0010571, OMIM 304120.
Heterotopia, periventricular, X-linked dominant (PVNH1). Also called: PERIVENTRICULAR NODULAR HETEROTOPIA 1; X-linked periventricular heterotopia; PERIVENTRICULAR NODULAR HETEROTOPIA 4; HETEROTOPIA, PERIVENTRICULAR, 1. Identifiers: Orphanet 2149, Orphanet 82004, MedGen C1848213, MONDO:0010233, OMIM 300049.

Submission:

Labcorp Genetics (formerly Invitae), Labcorp
Classification: Uncertain significance for Oto-palato-digital syndrome, type II; Heterotopia, periventricular, X-linked dominant; Frontometaphyseal dysplasia; Melnick-Needles syndrome. Last evaluated: 2025-07-14. Review status: criteria provided, single submitter. Criteria: Invitae Variant Classification Sherloc (09022015). Collection method: clinical testing. Allele origin: germline.
Comment: This sequence change replaces threonine, which is neutral and polar, with asparagine, which is neutral and polar, at codon 1569 of the FLNA protein (p.Thr1569Asn). This variant is not present in population databases (gnomAD no frequency). This variant has not been reported in the literature in individuals affected with FLNA-related conditions. ClinVar contains an entry for this variant (Variation ID: 2420007). Invitae Evidence Modeling of protein sequence and biophysical properties (such as structural, functional, and spatial information, amino acid conservation, physicochemical variation, residue mobility, and thermodynamic stability) indicates that this missense variant is not expected to disrupt FLNA protein function with a negative predictive value of 95%. In summary, the available evidence is currently insufficient to determine the role of this variant in disease. Therefore, it has been classified as a Variant of Uncertain Significance.

NM_001110556.2(FLNA):c.4706C>A (p.Thr1569Asn)

Gene: FLNA (filamin A; minus strand). Cytogenetic location: Xq28.
Variant type: single nucleotide variant.
Coding change: c.4706C>A on transcript NM_001110556.2 (MANE Select); coding-DNA position 4706, C replaced by A.
Protein change: p.Thr1569Asn; replaces threonine 1569 with asparagine.
Molecular consequence: missense variant.
Genome position (GRCh38, 1-based): chrX:154,358,248, G>T on the plus strand (C>A on the coding strand, the complement: FLNA is on the minus strand). VCF-style: chrX-154358248-G-T. GRCh37 (hg19) VCF-style: chrX-153586616-G-T.
Other names: c.4706C>A, p.Thr1569Asn (NM_001456.4); short protein forms T1569N.
Identifiers: ClinVar variation 2420007 (VCV002420007.5), dbSNP rs2522735004, ClinGen allele CA415214698.